The following is an entry in ClinVar:

ClinVar aggregate classification (germline): Uncertain significance (1 of 4 stars; one submission).

gnomAD v4.1: 2 of 1,614,012 alleles (0.00012%); highest among the groups gnomAD compares: Admixed American, 0.0017%; no homozygotes.

Submission:

GeneDx
Classification: Uncertain significance. Last evaluated: 2021-06-14. Review status: criteria provided, single submitter. Criteria: GeneDx Variant Classification Process June 2021. Collection method: clinical testing. Allele origin: germline. Affected: yes.
Comment: Not observed at significant frequency in large population cohorts (Lek et al., 2016); In silico analysis supports that this missense variant does not alter protein structure/function; Has not been previously published as pathogenic or benign to our knowledge; This variant is associated with the following publications: (PMID: 27535533)

NM_015215.4(CAMTA1):c.1322A>G (p.Lys441Arg)

Gene: CAMTA1 (calmodulin binding transcription activator 1; plus strand). Cytogenetic location: 1p36.23.
Variant type: single nucleotide variant.
Coding change: c.1322A>G on transcript NM_015215.4 (MANE Select); coding-DNA position 1322, A replaced by G.
Protein change: p.Lys441Arg; replaces lysine 441 with arginine.
Molecular consequence: missense variant.
Genome position (GRCh38, 1-based): chr1:7,663,869, A>G. VCF-style: chr1-7663869-A-G. GRCh37 (hg19) VCF-style: chr1-7723929-A-G.
Other names: c.1232A>G, p.Lys411Arg (NM_001349608.2, NM_001349612.2); c.1322A>G, p.Lys441Arg (NM_001349609.2, NM_001349610.2); short protein forms K411R, K441R.
Identifiers: ClinVar variation 1328772 (VCV001328772.2), dbSNP rs2149158077, ClinGen allele CA338126769.
Genomic context (GRCh38, chr1:7,663,869, plus strand): 5'-ACCTCCTCTCACCTGACGCCTCTCAGGGCCTCGTCCTGGCCGTGAGCTCTGATGGCCACA[A>G]GTTCGCCTTTCCCACCACGGGCAGCTCGGAGAGCCTGTCCATGCTGCCCACCAACGTGTC-3'
Protein context (NP_056030.1, residues 431-451): LVLAVSSDGH[Lys441Arg]FAFPTTGSSE